The following is an entry in ClinVar:

ClinVar aggregate classification (germline): Pathogenic/Likely pathogenic. Review status: criteria provided, multiple submitters, no conflicts (2 of 4 stars). 7 submissions from 7 submitters: Pathogenic (2); Likely pathogenic (2). 3 of the submissions do not count toward it. Last evaluated 2024-03-05.

Conditions:
HBB-related disorder. Also called: HBB-related disorders; HBB-related condition. Identifiers: MedGen CN239378.
Beta zero thalassemia. Identifiers: MedGen C0271980.
beta Thalassemia (BTHAL). Also called: Cooley's anemia; Erythroblastic anemia; Mediterranean anemia. Identifiers: Orphanet 848, MedGen C0005283, MONDO:0019402. Disease mechanism: loss of function.

Submissions (7):

Women's Health and Genetics/Laboratory Corporation of America, LabCorp
Classification: Pathogenic for beta Thalassemia. Last evaluated: 2024-03-05. Review status: criteria provided, single submitter. Criteria: LabCorp Variant Classification Summary - May 2015. Collection method: clinical testing. Allele origin: germline.
Comment: Variant summary: HBB c.110delC (p.Pro37LeufsX25) results in a premature termination codon, predicted to cause a truncation of the encoded protein or absence of the protein due to nonsense mediated decay, which are commonly known mechanisms for disease. The variant was absent in 251358 control chromosomes. c.110delC has been reported in the literature in multiple individuals affected with Beta Thalassemia (example, Yang_1989, Shaji_2003, Rujito_2015). These data indicate that the variant is very likely to be associated with disease. To our knowledge, no experimental evidence demonstrating an impact on protein function has been reported. ClinVar contains an entry for this variant (Variation ID: 15424). Based on the evidence outlined above, the variant was classified as pathogenic.

Quest Diagnostics Nichols Institute San Juan Capistrano
Classification: Pathogenic. Last evaluated: 2023-11-02. Review status: criteria provided, single submitter. Criteria: Quest Diagnostics criteria. Collection method: clinical testing. Allele origin: unknown.
Comment: The HBB c.110del (p.Pro37Leufs*25) variant alters the translational reading frame of the HBB mRNA and causes the premature termination of HBB protein synthesis. This variant has been reported in the published literature to be associated with beta(0)-thalassemia, including many individuals affected with beta-thalassemia or in heterozygous carriers showing hematological evidence of thalassemia trait, especially in southeast Asian populations (see HbVar, PMID: 2736244 (1989), 12709369 (2003), 21077770 (2010), 22335963 (2012), 23682686 (2013), 26291967 (2015), 31890591 (2019), 32638316 (2020)). This variant has not been reported in large, multi-ethnic general populations (Genome Aggregation Database). Based on the available information, this variant is classified as pathogenic.

Blueprint Genetics
Classification: Likely pathogenic for HBB-related disorders. Last evaluated: 2021-07-30. Review status: criteria provided, single submitter. Criteria: ACMG Guidelines, 2015. Collection method: clinical testing. Allele origin: germline. Affected: yes. Observed: 1 variant allele.

Revvity Omics, Revvity
Classification: Likely pathogenic. Last evaluated: 2021-04-10. Review status: criteria provided, single submitter. Criteria: ACMG Guidelines, 2015. Collection method: clinical testing. Allele origin: germline.

Natera, Inc.
Classification: Pathogenic for Beta thalassemia. Last evaluated: 2020-09-16. Review status: no assertion criteria provided. Collection method: clinical testing. Allele origin: germline. Not counted in ClinVar's aggregate classification.

The ITHANET community portal, The Cyprus Institute of Neurology and Genetics
Classification: Pathogenic for beta Thalassemia. Last evaluated: 2019-11-25. Review status: no assertion criteria provided. Collection method: curation. Allele origin: germline. Not counted in ClinVar's aggregate classification.

OMIM
Classification: Pathogenic for BETA-ZERO-THALASSEMIA. Last evaluated: 1989-05-01. Review status: no assertion criteria provided. Collection method: literature only. Allele origin: germline. Not counted in ClinVar's aggregate classification.

Literature cited by the submitters: PubMed 2736244 (cited by 4 submitters); PubMed 12709369 (cited by Women's Health and Genetics/Laboratory Corporation of America, LabCorp and Quest Diagnostics Nichols Institute San Juan Capistrano); PubMed 26291967 (cited by Women's Health and Genetics/Laboratory Corporation of America, LabCorp and Quest Diagnostics Nichols Institute San Juan Capistrano); PubMed 23682686 (cited by Quest Diagnostics Nichols Institute San Juan Capistrano); PubMed 22335963 (cited by Quest Diagnostics Nichols Institute San Juan Capistrano); PubMed 31890591 (cited by Quest Diagnostics Nichols Institute San Juan Capistrano); PubMed 32638316 (cited by Quest Diagnostics Nichols Institute San Juan Capistrano); PubMed 21077770 (cited by Quest Diagnostics Nichols Institute San Juan Capistrano).

NM_000518.5(HBB):c.110del (p.Pro37fs)

Genes: HBB (hemoglobin subunit beta; minus strand), LOC106099062 (HBB recombination region; plus strand), LOC107133510 (origin of replication at HBB; plus strand). Cytogenetic location: 11p15.4.
Variant type: Deletion.
Coding change: c.110del on transcript NM_000518.5 (MANE Select); coding-DNA position 110, one base deleted (C; older notation c.110delC).
Protein change: p.Pro37fs; shifts the reading frame from proline 37.
Molecular consequence: frameshift variant.
Genome position (GRCh38, 1-based): chr11:5,226,782, G deleted on the plus strand (C on the coding strand, the reverse complement: HBB is on the minus strand); the first of 3 consecutive G bases (chr11:5,226,782-5,226,784); deleting any one gives the same sequence. VCF-style (leftmost placement, unchanged base first): chr11-5226781-AG-A. GRCh37 (hg19) VCF-style: chr11-5248011-AG-A.
Other names: CD 36 CCT>C-T; c.110delC (NM_000518.5); short protein forms P37fs.
Identifiers: ClinVar variation 15424 (VCV000015424.16), dbSNP rs267607297, ClinGen allele CA125290.
Genomic context (GRCh38, chr11:5,226,781, plus strand): 5'-GCCCATAACAGCATCAGGAGTGGACAGATCCCCAAAGGACTCAAAGAACCTCTGGGTCCA[AG>A]GGTAGACCACCAGCAGCCTAAGGGTGGGAAAATAGACCAATAGGCAGAGAGAGTCAGTGC-3'